The following is an entry in ClinVar:

NM_002016.2(FLG):c.10670G>A (p.Gly3557Glu)

Genes: CCDST (cervical cancer associated DHX9 suppressive transcript; plus strand), FLG (filaggrin; minus strand). Cytogenetic location: 1q21.3.
Variant type: single nucleotide variant.
Coding change: c.10670G>A on transcript NM_002016.2 (MANE Select); coding-DNA position 10670, G replaced by A.
Protein change: p.Gly3557Glu; replaces glycine 3557 with glutamic acid.
Molecular consequence: missense variant.
Genome position (GRCh38, 1-based): chr1:152,304,216, C>T on the plus strand (G>A on the coding strand, the complement: FLG is on the minus strand). VCF-style: chr1-152304216-C-T. GRCh37 (hg19) VCF-style: chr1-152276692-C-T.
Other names: short protein forms G3557E.
Identifiers: ClinVar variation 930358 (VCV000930358.3), dbSNP rs142157664, ClinGen allele CA342068070.

ClinVar aggregate classification (germline): Uncertain significance (1 of 4 stars; one submission).

Conditions:
Ichthyosis vulgaris. Also called: ICHTHYOSIS SIMPLEX; Dominant ichthyosis vulgaris. Identifiers: MedGen C0079584, MONDO:0024304, OMIM 146700.

Allele frequency attached by ClinVar (database versions not stated): gnomAD exomes below 0.00001.
gnomAD v4.1: 4 of 1,610,000 alleles (0.00025%); highest among the groups gnomAD compares: East Asian, 0.0022%; no homozygotes.

Submission:

Centre for Mendelian Genomics, University Medical Centre Ljubljana
Classification: Uncertain significance for Ichthyosis vulgaris. Last evaluated: 2016-01-01. Review status: criteria provided, single submitter. Criteria: ACMG Guidelines, 2015. Collection method: clinical testing. Allele origin: unknown. Affected: yes.
Comment: This variant was classified as: Uncertain significance. The following ACMG criteria were applied in classifying this variant: PM2,BP4.